The following is an entry in ClinVar:

ClinVar aggregate classification (germline): Benign/Likely benign. Review status: criteria provided, multiple submitters, no conflicts (2 of 4 stars). 2 submissions from 2 submitters: Benign (1); Likely benign (1). Last evaluated 2026-01-05.

Conditions:
Palmoplantar keratoderma, epidermolytic. Also called: Localized epidermolytic hyperkeratosis. Identifiers: MedGen C1721006, MONDO:0968949, HP:0007559.

Allele frequency attached by ClinVar (database versions not stated): 1000 Genomes Project 0.00260; 1000 Genomes Project 30x 0.00281; gnomAD 0.00464 and 0.00511; ESP Exome Variant Server 0.00515; TOPMed 0.00535; gnomAD exomes 0.00123; ExAC 0.00142.

Submissions (2):

Labcorp Genetics (formerly Invitae), Labcorp
Classification: Benign. Last evaluated: 2026-01-05. Review status: criteria provided, single submitter. Criteria: Invitae Variant Classification Sherloc (09022015). Collection method: clinical testing. Allele origin: germline.

Illumina Laboratory Services, Illumina
Classification: Likely benign for Epidermolytic palmoplantar keratoderma, 1. Last evaluated: 2018-01-13. Review status: criteria provided, single submitter. Criteria: ICSL Variant Classification Criteria 13 December 2019. Collection method: clinical testing. Allele origin: germline.
Comment: This variant was observed in the ICSL laboratory as part of a predisposition screen in an ostensibly healthy population. It had not been previously curated by ICSL or reported in the Human Gene Mutation Database (HGMD: prior to June 1st, 2018), and was therefore a candidate for classification through an automated scoring system. Utilizing variant allele frequency, disease prevalence and penetrance estimates, and inheritance mode, an automated score was calculated to assess if this variant is too frequent to cause the disease. Based on the score and internal cut-off values, a variant classified as likely benign is not then subjected to further curation. The score for this variant resulted in a classification of likely benign for this disease.

NM_000226.4(KRT9):c.1045-9G>A

Gene: KRT9 (keratin 9; minus strand). Cytogenetic location: 17q21.2.
Variant type: single nucleotide variant.
Coding change: c.1045-9G>A on transcript NM_000226.4 (MANE Select); 9 bases into the intron before coding-DNA position 1045, G replaced by A.
Molecular consequence: intron variant.
Genome position (GRCh38, 1-based): chr17:41,568,642, C>T on the plus strand (G>A on the coding strand, the complement: KRT9 is on the minus strand). VCF-style: chr17-41568642-C-T. GRCh37 (hg19) VCF-style: chr17-39724894-C-T.
Identifiers: ClinVar variation 323130 (VCV000323130.15), dbSNP rs144984735, ClinGen allele CA8562044.